The following is an entry in ClinVar:

NM_006147.4(IRF6):c.379G>A (p.Gly127Arg)

Gene: IRF6 (interferon regulatory factor 6; minus strand). Cytogenetic location: 1q32.2.
Variant type: single nucleotide variant.
Coding change: c.379G>A on transcript NM_006147.4 (MANE Select); coding-DNA position 379, G replaced by A.
Protein change: p.Gly127Arg; replaces glycine 127 with arginine.
Molecular consequence: missense variant.
Genome position (GRCh38, 1-based): chr1:209,796,348, C>T on the plus strand (G>A on the coding strand, the complement: IRF6 is on the minus strand). VCF-style: chr1-209796348-C-T. GRCh37 (hg19) VCF-style: chr1-209969693-C-T.
Other names: c.94G>A, p.Gly32Arg (NM_001206696.2); short protein forms G127R, G32R.
Identifiers: ClinVar variation 2951457 (VCV002951457.3), dbSNP rs2464683284, ClinGen allele CA344582715.

ClinVar aggregate classification (germline): Uncertain significance (1 of 4 stars; one submission).

Conditions:
Popliteal pterygium syndrome (PPS). Identifiers: Orphanet 294963, MedGen C0265259, MONDO:0017435.
Orofacial cleft 6, susceptibility to (OFC6). Also called: CLEFT LIP WITH OR WITHOUT CLEFT PALATE, NONSYNDROMIC, 6. Identifiers: MedGen C1837213, MONDO:0012141, OMIM 608864.
Van der Woude syndrome. Identifiers: Orphanet 888, MedGen C0175697, MONDO:0019508.

Submission:

Labcorp Genetics (formerly Invitae), Labcorp
Classification: Uncertain significance for Orofacial cleft 6, susceptibility to; Van der Woude syndrome; Popliteal pterygium syndrome. Last evaluated: 2023-08-30. Review status: criteria provided, single submitter. Criteria: Invitae Variant Classification Sherloc (09022015). Collection method: clinical testing. Allele origin: germline.
Comment: This sequence change replaces glycine, which is neutral and non-polar, with arginine, which is basic and polar, at codon 127 of the IRF6 protein (p.Gly127Arg). This variant also falls at the last nucleotide of exon 4, which is part of the consensus splice site for this exon. This variant is not present in population databases (gnomAD no frequency). This missense change has been observed in individual(s) with clinical features of van der Woude syndrome (Invitae). An algorithm developed to predict the effect of missense changes on protein structure and function (PolyPhen-2) suggests that this variant is likely to be tolerated. Variants that disrupt the consensus splice site are a relatively common cause of aberrant splicing (PMID: 17576681, 9536098). Algorithms developed to predict the effect of sequence changes on RNA splicing suggest that this variant may disrupt the consensus splice site. In summary, the available evidence is currently insufficient to determine the role of this variant in disease. Therefore, it has been classified as a Variant of Uncertain Significance.

Literature cited by the submitters: PubMed 17576681; PubMed 9536098.